The following is an entry in ClinVar:

NM_007315.4(STAT1):c.463-8G>C

Gene: STAT1 (signal transducer and activator of transcription 1; minus strand). Cytogenetic location: 2q32.2.
Variant type: single nucleotide variant.
Coding change: c.463-8G>C on transcript NM_007315.4 (MANE Select); 8 bases into the intron before coding-DNA position 463, G replaced by C.
Molecular consequence: intron variant.
Genome position (GRCh38, 1-based): chr2:190,999,712, C>G on the plus strand (G>C on the coding strand, the complement: STAT1 is on the minus strand). VCF-style: chr2-190999712-C-G. GRCh37 (hg19) VCF-style: chr2-191864438-C-G.
Other names: c.373-8G>C (NM_001384890.1); c.463-15G>C (NM_001384883.1); c.463-8G>C (NM_001384885.1, NM_001384887.1, NM_001384880.1 and 5 more transcripts); c.499-8G>C (NM_001384891.1); c.469-8G>C (NM_001384884.1, NM_001384881.1).
Identifiers: ClinVar variation 541828 (VCV000541828.47), dbSNP rs2066794, ClinGen allele CA2030221.

ClinVar aggregate classification (germline): Benign/Likely benign. Review status: criteria provided, multiple submitters, no conflicts (2 of 4 stars). 4 submissions from 4 submitters: Benign (1); Likely benign (2). 1 of the submissions does not count toward it. Last evaluated 2026-01-18.

Conditions:
Autoimmune enteropathy and endocrinopathy - susceptibility to chronic infections syndrome. Also called: Immunodeficiency 31C; Immunodeficiency 31C, autosomal dominant. Identifiers: Orphanet 391487, MedGen C3279990, MONDO:0013599, OMIM 614162.
Immunodeficiency 31B. Also called: IMMUNODEFICIENCY 31B, MYCOBACTERIAL AND VIRAL INFECTIONS, AUTOSOMAL RECESSIVE; STAT1 DEFICIENCY, AUTOSOMAL RECESSIVE. Identifiers: Orphanet 391311, MedGen C3151088, MONDO:0013427, OMIM 613796.
Mendelian susceptibility to mycobacterial diseases due to partial STAT1 deficiency. Also called: IMMUNODEFICIENCY 31A, MYCOBACTERIOSIS, AUTOSOMAL DOMINANT; STAT1 DEFICIENCY, AUTOSOMAL DOMINANT; Immunodeficiency 31a. Identifiers: Orphanet 319595, MedGen C4013950, MONDO:0013956, OMIM 614892.
STAT1-related disorder. Also called: STAT1-related condition.

Allele frequency attached by ClinVar (database versions not stated): gnomAD exomes 0.00030 and 0.00072; ExAC 0.00114; 1000 Genomes Project 0.00200; 1000 Genomes Project 30x 0.00250; gnomAD 0.00304 and 0.00329; ESP Exome Variant Server 0.00361; TOPMed 0.00366.
gnomAD v4.1: 902 of 1,604,434 alleles (0.056%); highest among the groups gnomAD compares: African/African-American, 1.1%; 3 homozygotes.

Submissions (4):

Labcorp Genetics (formerly Invitae), Labcorp
Classification: Benign for Mendelian susceptibility to mycobacterial diseases due to partial STAT1 deficiency; Immunodeficiency 31B; Autoimmune enteropathy and endocrinopathy - susceptibility to chronic infections syndrome. Last evaluated: 2026-01-18. Review status: criteria provided, single submitter. Criteria: Invitae Variant Classification Sherloc (09022015). Collection method: clinical testing. Allele origin: germline.

CeGaT Center for Human Genetics Tuebingen
Classification: Likely benign. Last evaluated: 2024-11-01. Review status: criteria provided, single submitter. Criteria: CeGaT Center For Human Genetics Tuebingen Variant Classification Criteria Version 2. Collection method: clinical testing. Allele origin: germline. Affected: yes. Observed: 2 variant alleles.
Comment: STAT1: BP4, BS1

Blueprint Genetics
Classification: Likely benign. Last evaluated: 2024-06-10. Review status: criteria provided, single submitter. Criteria: ACMG Guidelines, 2015. Collection method: clinical testing. Allele origin: germline.

PreventionGenetics, part of Exact Sciences
Classification: Benign for STAT1-related condition. Last evaluated: 2019-07-08. Review status: no assertion criteria provided. Collection method: clinical testing. Allele origin: germline. Not counted in ClinVar's aggregate classification.
Comment: This variant is classified as benign based on ACMG/AMP sequence variant interpretation guidelines (Richards et al. 2015 PMID: 25741868, with internal and published modifications).